The following is an entry in ClinVar:

NM_005236.3(ERCC4):c.1523G>A (p.Gly508Glu)

Gene: ERCC4 (ERCC excision repair 4, endonuclease catalytic subunit; plus strand). Cytogenetic location: 16p13.12.
Variant type: single nucleotide variant.
Coding change: c.1523G>A on transcript NM_005236.3 (MANE Select); coding-DNA position 1523, G replaced by A.
Protein change: p.Gly508Glu; replaces glycine 508 with glutamic acid.
Molecular consequence: missense variant.
Genome position (GRCh38, 1-based): chr16:13,935,455, G>A. VCF-style: chr16-13935455-G-A. GRCh37 (hg19) VCF-style: chr16-14029312-G-A.
Other names: short protein forms G508E.
Identifiers: ClinVar variation 134156 (VCV000134156.1), dbSNP rs587778288, ClinGen allele CA158930.

ClinVar aggregate classification (germline): not provided (0 of 4 stars; one submission).

Allele frequency attached by ClinVar (database versions not stated): gnomAD below 0.00001 and 0.00001; ExAC 0.00001; gnomAD exomes 0.00001.
gnomAD v4.1: 9 of 1,614,042 alleles (0.00056%); highest among the groups gnomAD compares: South Asian, 0.0099%; no homozygotes.

Submission:

ITMI
No classification provided. Condition: AllHighlyPenetrant. Last evaluated: 2013-09-19. Review status: no classification provided. Collection method: reference population. Allele origin: germline.
Comment: Please see associated publication for description of ethnicities

Literature cited by the submitters: PubMed 24728327.